The following is an entry in ClinVar:

ClinVar aggregate classification (germline): Uncertain significance. Review status: criteria provided, multiple submitters, no conflicts (2 of 4 stars). 2 submissions from 2 submitters: Uncertain significance (2). Last evaluated 2023-03-07.

Conditions:
Nephronophthisis 15 (NPHP15). Identifiers: Orphanet 3156, MedGen C3541853, MONDO:0013917, OMIM 614845.

Allele frequency attached by ClinVar (database versions not stated): gnomAD exomes below 0.00001; ExAC 0.00001.
gnomAD v4.1: 7 of 1,614,084 alleles (0.00043%); highest among the groups gnomAD compares: South Asian, 0.0011%; no homozygotes.

Submissions (2):

Genetic Services Laboratory, University of Chicago
Classification: Uncertain significance. Last evaluated: 2023-03-07. Review status: criteria provided, single submitter. Criteria: ACMG Guidelines, 2015. Collection method: clinical testing. Allele origin: germline. Affected: no.
Comment: DNA sequence analysis of the CEP164 gene demonstrated a sequence change, c.734T>C, in exon 8 that results in an amino acid change, p.Ile245Thr. This sequence change has been described in the gnomAD database in one individual which corresponds to a population frequency of 0.0004% (dbSNP rs760189135). The p.Ile245Thr change affects a poorly conserved amino acid residue located in a domain of the CEP164 protein that is not known to be functional. The p.Ile245Thr substitution appears to be benign using several in-silico pathogenicity prediction tools (SIFT, PolyPhen2, Align GVGD, REVEL). This sequence change does not appear to have been previously described in individuals with CEP164-related disorders. Due to insufficient evidences and the lack of functional studies, the clinical significance of the p.Ile245Thr change remains unknown at this time.

Labcorp Genetics (formerly Invitae), Labcorp
Classification: Uncertain significance for Nephronophthisis 15. Last evaluated: 2022-07-20. Review status: criteria provided, single submitter. Criteria: Invitae Variant Classification Sherloc (09022015). Collection method: clinical testing. Allele origin: germline.
Comment: In summary, the available evidence is currently insufficient to determine the role of this variant in disease. Therefore, it has been classified as a Variant of Uncertain Significance. Algorithms developed to predict the effect of missense changes on protein structure and function (SIFT, PolyPhen-2, Align-GVGD) all suggest that this variant is likely to be disruptive. This variant has not been reported in the literature in individuals affected with CEP164-related conditions. This variant is present in population databases (rs760189135, gnomAD 0.003%). This sequence change replaces isoleucine, which is neutral and non-polar, with threonine, which is neutral and polar, at codon 245 of the CEP164 protein (p.Ile245Thr).

NM_014956.5(CEP164):c.734T>C (p.Ile245Thr)

Gene: CEP164 (centrosomal protein 164; plus strand). Cytogenetic location: 11q23.3.
Variant type: single nucleotide variant.
Coding change: c.734T>C on transcript NM_014956.5 (MANE Select); coding-DNA position 734, T replaced by C.
Protein change: p.Ile245Thr; replaces isoleucine 245 with threonine.
Molecular consequence: missense variant.
Genome position (GRCh38, 1-based): chr11:117,363,475, T>C. VCF-style: chr11-117363475-T-C. GRCh37 (hg19) VCF-style: chr11-117234191-T-C.
Other names: c.734T>C, p.Ile245Thr (NM_001271933.2); short protein forms I245T.
Identifiers: ClinVar variation 2425956 (VCV002425956.6), dbSNP rs760189135, ClinGen allele CA6294572.